The following is an entry in ClinVar:

NM_000448.3(RAG1):c.1047C>T (p.Ser349=)

Gene: RAG1 (recombination activating 1; plus strand). Cytogenetic location: 11p12.
Variant type: single nucleotide variant.
Coding change: c.1047C>T on transcript NM_000448.3 (MANE Select); coding-DNA position 1047, C replaced by T.
Protein change: p.Ser349=; no amino-acid change (serine 349 retained).
Molecular consequence: synonymous variant.
Genome position (GRCh38, 1-based): chr11:36,574,351, C>T. VCF-style: chr11-36574351-C-T. GRCh37 (hg19) VCF-style: chr11-36595901-C-T.
Other names: c.1047C>T, p.Ser349= (NM_001377277.1, NM_001377278.1, NM_001377279.1 and 1 more transcripts).
Identifiers: ClinVar variation 2160220 (VCV002160220.5), dbSNP rs759876765, ClinGen allele CA5950089.

ClinVar aggregate classification (germline): Likely benign. Review status: criteria provided, multiple submitters, no conflicts (2 of 4 stars). 2 submissions from 2 submitters: Likely benign (2). Last evaluated 2024-12-11.

Conditions:
Combined immunodeficiency with skin granulomas. Identifiers: Orphanet 157949, MedGen C2673536, MONDO:0009306, OMIM 233650.
Severe combined immunodeficiency, autosomal recessive, T cell-negative, B cell-negative, NK cell-positive. Also called: SCID, AR, T-cell negative, B-cell negative, NK cell-positive; Severe combined immunodeficiency due to complete RAG1/2 deficiency; SCID, T CELL-NEGATIVE, B CELL-NEGATIVE, NK CELL-POSITIVE. Identifiers: Orphanet 331206, MedGen C1832322, MONDO:0011086, OMIM 601457.

Allele frequency attached by ClinVar (database versions not stated): ExAC 0.00001; gnomAD 0.00001.
gnomAD v4.1: 6 of 1,614,086 alleles (0.00037%); highest among the groups gnomAD compares: Admixed American, 0.0017%; no homozygotes.

Submissions (2):

Women's Health and Genetics/Laboratory Corporation of America, LabCorp
Classification: Likely benign. Last evaluated: 2024-12-11. Review status: criteria provided, single submitter. Criteria: LabCorp Variant Classification Summary - May 2015. Collection method: clinical testing. Allele origin: germline.
Comment: Variant summary: RAG1 c.1047C>T results in a synonymous change. Consensus agreement among computation tools predict no significant impact on normal splicing (TrAP). However, these predictions have yet to be confirmed by functional studies. The variant allele was found at a frequency of 4e-06 in 251166 control chromosomes. The available data on variant occurrences in the general population are insufficient to allow any conclusion about variant significance. To our knowledge, no occurrence of c.1047C>T in individuals affected with Severe Combined Immunodeficiency and no experimental evidence demonstrating its impact on protein function have been reported. ClinVar contains an entry for this variant (Variation ID: 2160220). Based on the evidence outlined above, the variant was classified as likely benign.

Labcorp Genetics (formerly Invitae), Labcorp
Classification: Likely benign for Combined immunodeficiency with skin granulomas; Severe combined immunodeficiency, autosomal recessive, T cell-negative, B cell-negative, NK cell-positive. Last evaluated: 2023-10-04. Review status: criteria provided, single submitter. Criteria: Invitae Variant Classification Sherloc (09022015). Collection method: clinical testing. Allele origin: germline.